The following is an entry in ClinVar:

NM_138576.4(BCL11B):c.1864G>A (p.Ala622Thr)

Gene: BCL11B (BCL11 transcription factor B; minus strand). Cytogenetic location: 14q32.2.
Variant type: single nucleotide variant.
Coding change: c.1864G>A on transcript NM_138576.4 (MANE Select); coding-DNA position 1864, G replaced by A.
Protein change: p.Ala622Thr; replaces alanine 622 with threonine.
Molecular consequence: missense variant.
Genome position (GRCh38, 1-based): chr14:99,174,972, C>T on the plus strand (G>A on the coding strand, the complement: BCL11B is on the minus strand). VCF-style: chr14-99174972-C-T. GRCh37 (hg19) VCF-style: chr14-99641309-C-T.
Other names: c.1861G>A, p.Ala621Thr (NM_001282237.2); c.1648G>A, p.Ala550Thr (NM_001282238.2); c.1651G>A, p.Ala551Thr (NM_022898.3); short protein forms A622T, A550T, A621T, A551T.
Identifiers: ClinVar variation 1393371 (VCV001393371.9), dbSNP rs200687140, ClinGen allele CA7339587.

ClinVar aggregate classification (germline): Uncertain significance (1 of 4 stars; one submission).

Allele frequency attached by ClinVar (database versions not stated): gnomAD 0.00003; TOPMed 0.00004; ExAC 0.00010; 1000 Genomes Project 30x 0.00016.
gnomAD v4.1: 186 of 1,558,192 alleles (0.012%); highest among the groups gnomAD compares: Non-Finnish European, 0.016%; no homozygotes.

Submission:

Labcorp Genetics (formerly Invitae), Labcorp
Classification: Uncertain significance. Last evaluated: 2025-06-23. Review status: criteria provided, single submitter. Criteria: Invitae Variant Classification Sherloc (09022015). Collection method: clinical testing. Allele origin: germline.
Comment: This sequence change replaces alanine, which is neutral and non-polar, with threonine, which is neutral and polar, at codon 622 of the BCL11B protein (p.Ala622Thr). This variant is present in population databases (rs200687140, gnomAD 0.01%). This variant has not been reported in the literature in individuals affected with BCL11B-related conditions. ClinVar contains an entry for this variant (Variation ID: 1393371). Invitae Evidence Modeling of protein sequence and biophysical properties (such as structural, functional, and spatial information, amino acid conservation, physicochemical variation, residue mobility, and thermodynamic stability) indicates that this missense variant is not expected to disrupt BCL11B protein function with a negative predictive value of 95%. In summary, the available evidence is currently insufficient to determine the role of this variant in disease. Therefore, it has been classified as a Variant of Uncertain Significance.